The following is an entry in ClinVar:

ClinVar aggregate classification (germline): Pathogenic (1 of 4 stars; one submission).

Submission:

ISCA site 17
Classification: Pathogenic. Last evaluated: 2011-08-12. Review status: criteria provided, single submitter. Criteria: Kaminsky et al. (Genet Med. 2011). Collection method: clinical testing. Allele origin: unknown. Affected: yes. Observed: 1 variant allele.
Comment: Copy number variation identified through the course of routine clinical cytogenomic testing in postnatal populations. Clinical assertions have been curated as described in Kaminsky et al. 2011.

GRCh38/hg38 Xp22.31(chrX:6570680-8129470)x1

Genes: MIR4767 (microRNA 4767; plus strand), MIR651 (microRNA 651; plus strand), PNPLA4 (patatin like phospholipase domain containing 4; minus strand), PUDP (pseudouridine 5'-phosphatase; minus strand), STS (steroid sulfatase; plus strand) and 21 more. Cytogenetic location: Xp22.31.
Variant type: copy number loss.
Change: copy number 1 of chrX:6,570,680-8,129,470 (1.56 Mb, GRCh38 coordinates, 1-based), cytogenetic band Xp22.31.
Identifiers: ClinVar variation 160944 (VCV000160944.1).